The following is an entry in ClinVar:

NM_003001.5(SDHC):c.242-2_242-1insT

Gene: SDHC (succinate dehydrogenase complex subunit C; plus strand). Cytogenetic location: 1q23.3.
Variant type: Insertion.
Coding change: c.242-2_242-1insT on transcript NM_003001.5 (MANE Select); the canonical splice acceptor site of the intron before coding-DNA position 242, T inserted.
Molecular consequence: splice acceptor variant. On other transcripts: intron variant (3).
Genome position: GRCh38 VCF-style: chr1-161356675-A-AT. GRCh37 (hg19) VCF-style: chr1-161326465-A-AT.
Other names: c.131-2_131-1insT (NM_001407119.1, NM_001407120.1); c.362-2_362-1insT (NM_001407115.1); c.242-5654_242-5653insT (NM_001035511.3); c.140-2_140-1insT (NM_001035512.3); c.140-5654_140-5653insT (NM_001278172.3); c.134-2_134-1insT (NM_001407118.1); c.185-2_185-1insT (NM_001407116.1); c.185-5654_185-5653insT (NM_001407121.1); and 2 more.
Identifiers: ClinVar variation 3148630 (VCV003148630.1), dbSNP rs2526535535, ClinGen allele CA2825000872.

ClinVar aggregate classification (germline): Likely pathogenic (1 of 4 stars; one submission).

Conditions:
Pheochromocytoma/paraganglioma syndrome 3. Also called: GLOMUS TUMORS, FAMILIAL, 3; Paragangliomas 3; SDHC-Related Hereditary Paraganglioma-Pheochromocytoma Syndrome (Paragangliomas 3); SDHC-Related Hereditary Paraganglioma-Pheochromocytoma Syndrome. Identifiers: Orphanet 29072, MedGen C1854336, MONDO:0011544, OMIM 605373.

Submission:

Myriad Genetics, Inc.
Classification: Likely pathogenic for Pheochromocytoma/paraganglioma syndrome 3. Last evaluated: 2024-02-08. Review status: criteria provided, single submitter. Criteria: Myriad Autosomal Dominant, Autosomal Recessive and X-Linked Classification Criteria (2023). Collection method: clinical testing. Allele origin: unknown.
Comment: This variant is considered likely pathogenic. This variant occurs within a consensus splice junction and is predicted to result in abnormal mRNA splicing of either an out-of-frame exon or an in-frame exon necessary for protein stability and/or normal function.